The following is an entry in ClinVar:

NM_138694.4(PKHD1):c.5241C>T (p.Cys1747=)

Gene: PKHD1 (PKHD1 ciliary IPT domain containing fibrocystin/polyductin; minus strand). Cytogenetic location: 6p12.2.
Variant type: single nucleotide variant.
Coding change: c.5241C>T on transcript NM_138694.4 (MANE Select); coding-DNA position 5241, C replaced by T.
Protein change: p.Cys1747=; no amino-acid change (cysteine 1747 retained).
Molecular consequence: synonymous variant.
Genome position (GRCh38, 1-based): chr6:52,022,940, G>A on the plus strand (C>T on the coding strand, the complement: PKHD1 is on the minus strand). VCF-style: chr6-52022940-G-A. GRCh37 (hg19) VCF-style: chr6-51887738-G-A.
Other names: c.5241C>T, p.Cys1747= (NM_170724.3); c.5241C>T (NM_138694.3).
Identifiers: ClinVar variation 1147167 (VCV001147167.10), dbSNP rs750494997, ClinGen allele CA3852554.
Genomic context (GRCh38, chr6:52,022,940, plus strand): 5'-AGCTGAGACATTCCCTGGAGAAAATCCCGCTCCAAACACATGCACCAGCCTTCCACCCAG[G>A]CAGCCTTTAAAGACAAAGGTACAAGTTCTTGATCATACAGGCAAATCTCCCTTCTTTACT-3'
Protein context (NP_619639.3, residues 1737-1757): IITAVTENFG[Cys1747=]LGGRLVHVFG

ClinVar aggregate classification (germline): Likely benign. Review status: criteria provided, multiple submitters, no conflicts (2 of 4 stars). 2 submissions from 2 submitters: Likely benign (2). Last evaluated 2026-02-10.

Conditions:
PKHD1-related disorder. Also called: PKHD1-related condition.
Autosomal recessive polycystic kidney disease (ARPKD). Also called: AR polycystic kidney disease. Identifiers: Orphanet 731, Orphanet 8378, MedGen C0085548, MeSH D017044, MONDO:0009889.

Allele frequency attached by ClinVar (database versions not stated): ExAC 0.00001; gnomAD 0.00001; gnomAD exomes 0.00001 and 0.00003; TOPMed 0.00001.
gnomAD v4.1: 51 of 1,613,882 alleles (0.0032%); highest among the groups gnomAD compares: Non-Finnish European, 0.0038%; no homozygotes.

Submissions (2):

PreventionGenetics, part of Exact Sciences
Classification: Likely benign for PKHD1-related condition. Last evaluated: 2026-02-10. Review status: criteria provided, single submitter. Criteria: ACMG Guidelines, 2015. Collection method: clinical testing. Allele origin: germline.
Comment: This variant is classified as likely benign based on ACMG/AMP sequence variant interpretation guidelines (Richards et al. 2015 PMID: 25741868, with internal and published modifications).

Labcorp Genetics (formerly Invitae), Labcorp
Classification: Likely benign for Autosomal recessive polycystic kidney disease. Last evaluated: 2024-03-20. Review status: criteria provided, single submitter. Criteria: Invitae Variant Classification Sherloc (09022015). Collection method: clinical testing. Allele origin: germline.